The following is an entry in ClinVar:

ClinVar aggregate classification (germline): Uncertain significance (1 of 4 stars; one submission).

Conditions:
Hereditary cancer-predisposing syndrome. Also called: Hereditary Cancer Syndrome; Hereditary neoplastic syndrome; Neoplastic Syndromes, Hereditary; Tumor predisposition. Identifiers: Orphanet 140162, MedGen C0027672, MeSH D009386, MONDO:0015356.

Submission:

Ambry Genetics
Classification: Uncertain significance for Hereditary cancer-predisposing syndrome. Last evaluated: 2025-09-12. Review status: criteria provided, single submitter. Criteria: Ambry Variant Classification Scheme 2023. Collection method: clinical testing. Allele origin: germline.
Comment: The c.253C>A variant (also known as p.R85R), located in coding exon 2 of the CDK4 gene, results from a C to A substitution at nucleotide position 253. This nucleotide substitution does not change the arginine at codon 85. This nucleotide position is well conserved in available vertebrate species. In silico splice site analysis predicts that this alteration will result in the creation or strengthening of a novel splice acceptor site. Based on the available evidence, the clinical significance of this variant remains unclear.

NM_000075.4(CDK4):c.253C>A (p.Arg85=)

Gene: CDK4 (cyclin dependent kinase 4; minus strand). Cytogenetic location: 12q14.1.
Variant type: single nucleotide variant.
Coding change: c.253C>A on transcript NM_000075.4 (MANE Select); coding-DNA position 253, C replaced by A.
Protein change: p.Arg85=; no amino-acid change (arginine 85 retained).
Molecular consequence: synonymous variant.
Genome position (GRCh38, 1-based): chr12:57,751,308, G>T on the plus strand (C>A on the coding strand, the complement: CDK4 is on the minus strand). VCF-style: chr12-57751308-G-T. GRCh37 (hg19) VCF-style: chr12-58145091-G-T.
Identifiers: ClinVar variation 4224565 (VCV004224565.1).